The following is an entry in ClinVar:

NM_001378120.1(MBD5):c.1457T>A (p.Ile486Asn)

Gene: MBD5 (methyl-CpG binding domain protein 5; plus strand). Cytogenetic location: 2q23.1.
Variant type: single nucleotide variant.
Coding change: c.1457T>A on transcript NM_001378120.1 (MANE Select); coding-DNA position 1457, T replaced by A.
Protein change: p.Ile486Asn; replaces isoleucine 486 with asparagine.
Molecular consequence: missense variant.
Genome position (GRCh38, 1-based): chr2:148,469,400, T>A. VCF-style: chr2-148469400-T-A. GRCh37 (hg19) VCF-style: chr2-149226969-T-A.
Other names: c.1457T>A, p.Ile486Asn (NM_018328.5); short protein forms I486N.
Identifiers: ClinVar variation 1464894 (VCV001464894.8), dbSNP rs1680712001, ClinGen allele CA348719726.

ClinVar aggregate classification (germline): Uncertain significance (1 of 4 stars; one submission).

Conditions:
Intellectual developmental disorder, autosomal dominant 1. Also called: Intellectual disability, autosomal dominant 1; MBD5 Haploinsufficiency. Identifiers: Orphanet 228402, MedGen C1969562, MONDO:0007974, OMIM 156200.

Allele frequency attached by ClinVar (database versions not stated): TOPMed below 0.00001.

Submission:

Labcorp Genetics (formerly Invitae), Labcorp
Classification: Uncertain significance for Intellectual developmental disorder, autosomal dominant 1. Last evaluated: 2021-05-08. Review status: criteria provided, single submitter. Criteria: Invitae Variant Classification Sherloc (09022015). Collection method: clinical testing. Allele origin: germline.
Comment: This sequence change replaces isoleucine with asparagine at codon 486 of the MBD5 protein (p.Ile486Asn). The isoleucine residue is highly conserved and there is a large physicochemical difference between isoleucine and asparagine. This variant has not been reported in the literature in individuals with MBD5-related conditions. This variant is not present in population databases (ExAC no frequency). Algorithms developed to predict the effect of missense changes on protein structure and function are either unavailable or do not agree on the potential impact of this missense change (SIFT: "Deleterious"; PolyPhen-2: "Possibly Damaging"; Align-GVGD: "Class C0"). In summary, the available evidence is currently insufficient to determine the role of this variant in disease. Therefore, it has been classified as a Variant of Uncertain Significance. Algorithms developed to predict the effect of sequence changes on RNA splicing suggest that this variant may create or strengthen a splice site, but this prediction has not been confirmed by published transcriptional studies.